The following is an entry in ClinVar:

NM_004782.4(SNAP29):c.240G>A (p.Glu80=)

Gene: SNAP29 (synaptosome associated protein 29; plus strand). Cytogenetic location: 22q11.21.
Variant type: single nucleotide variant.
Coding change: c.240G>A on transcript NM_004782.4 (MANE Select); coding-DNA position 240, G replaced by A.
Protein change: p.Glu80=; no amino-acid change (glutamic acid 80 retained).
Molecular consequence: synonymous variant.
Genome position (GRCh38, 1-based): chr22:20,870,339, G>A. VCF-style: chr22-20870339-G-A. GRCh37 (hg19) VCF-style: chr22-21224627-G-A.
Identifiers: ClinVar variation 340833 (VCV000340833.9), dbSNP rs528593119, ClinGen allele CA10117086.

ClinVar aggregate classification (germline): Conflicting classifications of pathogenicity. Review status: criteria provided, conflicting classifications (1 of 4 stars). 3 submissions from 3 submitters: Uncertain significance (1); Likely benign (2). Last evaluated 2025-04-09.

Conditions:
CEDNIK syndrome. Also called: CEREBRAL DYSGENESIS, NEUROPATHY, ICHTHYOSIS, AND PALMOPLANTAR KERATODERMA SYNDROME; Cerebral dysgenesis, neuropathy, ichthyosis, and palmoplantar keratoderma. Identifiers: Orphanet 66631, MedGen C1836033, MONDO:0012290, OMIM 609528.
SNAP29-related disorder. Also called: SNAP29-related condition.

Allele frequency attached by ClinVar (database versions not stated): gnomAD 0.00001 and 0.00002; gnomAD exomes 0.00002 and 0.00004; ExAC 0.00003; TOPMed 0.00003; 1000 Genomes Project 30x 0.00016; 1000 Genomes Project 0.00020.
gnomAD v4.1: 58 of 1,614,130 alleles (0.0036%); highest among the groups gnomAD compares: East Asian, 0.13%; 1 homozygote.

Submissions (3):

PreventionGenetics, part of Exact Sciences
Classification: Likely benign for SNAP29-related condition. Last evaluated: 2025-04-09. Review status: criteria provided, single submitter. Criteria: ACMG Guidelines, 2015. Collection method: clinical testing. Allele origin: germline.
Comment: This variant is classified as likely benign based on ACMG/AMP sequence variant interpretation guidelines (Richards et al. 2015 PMID: 25741868, with internal and published modifications).

Labcorp Genetics (formerly Invitae), Labcorp
Classification: Likely benign. Last evaluated: 2024-02-22. Review status: criteria provided, single submitter. Criteria: Invitae Variant Classification Sherloc (09022015). Collection method: clinical testing. Allele origin: germline.

Illumina Laboratory Services, Illumina
Classification: Uncertain significance for CEDNIK syndrome. Last evaluated: 2018-01-12. Review status: criteria provided, single submitter. Criteria: ICSL Variant Classification Criteria 13 December 2019. Collection method: clinical testing. Allele origin: germline.